The following is an entry in ClinVar:

ClinVar aggregate classification (germline): Uncertain significance (1 of 4 stars; one submission).

Conditions:
Inborn genetic diseases. Identifiers: MedGen C0950123, MeSH D030342.

Submission:

Ambry Genetics
Classification: Uncertain significance for Inborn genetic diseases. Last evaluated: 2025-02-14. Review status: criteria provided, single submitter. Criteria: Ambry Variant Classification Scheme 2023. Collection method: clinical testing. Allele origin: germline.
Comment: The p.L884V variant (also known as c.2650C>G), located in coding exon 12 of the BMPR2 gene, results from a C to G substitution at nucleotide position 2650. The leucine at codon 884 is replaced by valine, an amino acid with highly similar properties. This amino acid position is conserved. In addition, this alteration is predicted to be tolerated by in silico analysis. Based on the available evidence, the clinical significance of this variant remains unclear.

NM_001204.7(BMPR2):c.2650C>G (p.Leu884Val)

Gene: BMPR2 (bone morphogenetic protein receptor type 2; plus strand). Cytogenetic location: 2q33.2.
Variant type: single nucleotide variant.
Coding change: c.2650C>G on transcript NM_001204.7 (MANE Select); coding-DNA position 2650, C replaced by G.
Protein change: p.Leu884Val; replaces leucine 884 with valine.
Molecular consequence: missense variant.
Genome position (GRCh38, 1-based): chr2:202,556,315, C>G. VCF-style: chr2-202556315-C-G. GRCh37 (hg19) VCF-style: chr2-203421038-C-G.
Other names: short protein forms L884V.
Identifiers: ClinVar variation 3824908 (VCV003824908.1).